The following is an entry in ClinVar:

NM_152384.3(BBS5):c.110T>C (p.Ile37Thr)

Gene: BBS5 (Bardet-Biedl syndrome 5; plus strand). Cytogenetic location: 2q31.1.
Variant type: single nucleotide variant.
Coding change: c.110T>C on transcript NM_152384.3 (MANE Select); coding-DNA position 110, T replaced by C.
Protein change: p.Ile37Thr; replaces isoleucine 37 with threonine.
Molecular consequence: missense variant.
Genome position (GRCh38, 1-based): chr2:169,482,301, T>C. VCF-style: chr2-169482301-T-C. GRCh37 (hg19) VCF-style: chr2-170338811-T-C.
Other names: c.110T>C (NM_152384.2); short protein forms I37T.
Identifiers: ClinVar variation 1006894 (VCV001006894.10), dbSNP rs370849006, ClinGen allele CA1956106.

ClinVar aggregate classification (germline): Conflicting classifications of pathogenicity. Review status: criteria provided, conflicting classifications (1 of 4 stars). 4 submissions from 4 submitters: Likely pathogenic (2); Uncertain significance (2). Last evaluated 2026-02-02.

Conditions:
BBS5-related disorder. Also called: BBS5-related condition.
Bardet-Biedl syndrome (BBS). Identifiers: Orphanet 110, MedGen C0752166, MONDO:0015229.
Bardet-Biedl syndrome 5 (BBS5). Identifiers: Orphanet 110, MedGen C3892039, MONDO:0014434, OMIM 615983.

Allele frequency attached by ClinVar (database versions not stated): ExAC 0.00002; gnomAD 0.00003; gnomAD exomes 0.00003 and 0.00004; TOPMed 0.00005; ESP Exome Variant Server 0.00008.
gnomAD v4.1: 54 of 1,608,056 alleles (0.0034%); highest among the groups gnomAD compares: East Asian, 0.022%; no homozygotes.

Submissions (4):

PreventionGenetics, part of Exact Sciences
Classification: Uncertain significance for BBS5-related condition. Last evaluated: 2026-02-02. Review status: criteria provided, single submitter. Criteria: ACMG Guidelines, 2015. Collection method: clinical testing. Allele origin: germline.
Comment: The BBS5 c.110T>C variant is predicted to result in the amino acid substitution p.Ile37Thr. This variant has been reported in an individual with Bardet-Biedl syndrome without information on a second potentially causative variant (Table S3, Chou et al. 2019. PubMed ID: 31303482) and in the homozygous state in an individual with macular degeneration and congenital hearing loss (Table S4, Ozguc Caliskan et al. 2024. PubMed ID: 38576124). This variant has also been reported in the heterozygous state in three individuals with obesity (Savas et al. 2019. PubMed ID: 31216558; Table 3, Tamaroff et al. 2023. PubMed ID:37810530). This variant is reported in 0.011% of alleles in individuals of East Asian descent in gnomAD. Although we suspect that this variant may be pathogenic, at this time, the clinical significance of this variant is uncertain due to the absence of conclusive functional and genetic evidence.

Labcorp Genetics (formerly Invitae), Labcorp
Classification: Likely pathogenic for Bardet-Biedl syndrome. Last evaluated: 2026-01-05. Review status: criteria provided, single submitter. Criteria: Invitae Variant Classification Sherloc (09022015). Collection method: clinical testing. Allele origin: germline.
Comment: This sequence change replaces isoleucine, which is neutral and non-polar, with threonine, which is neutral and polar, at codon 37 of the BBS5 protein (p.Ile37Thr). This variant is present in population databases (rs370849006, gnomAD 0.007%). This missense change has been observed in individual(s) with clinical features of BBS5-related conditions (PMID: 38576124; internal data). In at least one individual the data is consistent with being in trans (on the opposite chromosome) from a pathogenic variant. ClinVar contains an entry for this variant (Variation ID: 1006894). Invitae Evidence Modeling of protein sequence and biophysical properties (such as structural, functional, and spatial information, amino acid conservation, physicochemical variation, residue mobility, and thermodynamic stability) indicates that this missense variant is not expected to disrupt BBS5 protein function with a negative predictive value of 80%. In summary, the currently available evidence indicates that the variant is pathogenic, but additional data are needed to prove that conclusively. Therefore, this variant has been classified as Likely Pathogenic.

Blueprint Genetics
Classification: Likely pathogenic for BBS5-related disorders. Last evaluated: 2024-04-04. Review status: criteria provided, single submitter. Criteria: ACMG Guidelines, 2015. Collection method: clinical testing. Allele origin: germline. Affected: yes. Observed: 5 variant alleles.

Fulgent Genetics
Classification: Uncertain significance for Bardet-Biedl syndrome 5. Last evaluated: 2021-11-03. Review status: criteria provided, single submitter. Criteria: ACMG Guidelines, 2015. Collection method: clinical testing. Allele origin: unknown.

Literature cited by the submitters: PubMed 38576124 (cited by Labcorp Genetics (formerly Invitae), Labcorp).